The following is an entry in ClinVar:

ClinVar aggregate classification (germline): Uncertain significance (1 of 4 stars; one submission).

Submission:

GeneDx
Classification: Uncertain significance. Last evaluated: 2025-05-14. Review status: criteria provided, single submitter. Criteria: GeneDx Variant Classification Process June 2021. Collection method: clinical testing. Allele origin: germline. Affected: yes.
Comment: Not observed at significant frequency in large population cohorts (gnomAD); Has not been previously published as pathogenic or benign to our knowledge; Frameshift variant predicted to result in protein truncation or nonsense mediated decay in a gene for which loss-of-function is not an established mechanism of disease

NM_002156.5(HSPD1):c.1250_1254del (p.Lys417fs)

Gene: HSPD1 (heat shock protein family D (Hsp60) member 1; minus strand). Cytogenetic location: 2q33.1.
Variant type: Deletion.
Coding change: c.1250_1254del on transcript NM_002156.5 (MANE Select); coding-DNA positions 1250 to 1254, 5 bases deleted (AGAAA; older notation c.1250_1254delAGAAA).
Protein change: p.Lys417fs; shifts the reading frame from lysine 417.
Molecular consequence: frameshift variant.
Genome position (GRCh38, 1-based): chr2:197,488,453-197,488,457, TTTCT deleted on the plus strand (AGAAA on the coding strand, the reverse complement: HSPD1 is on the minus strand); deleting any 5 consecutive bases within chr2:197,488,453-197,488,461 gives the same sequence; the c. name uses the placement nearest the transcript's 3' end. VCF-style (leftmost placement, unchanged base first): chr2-197488452-CTTTCT-C. GRCh37 (hg19) VCF-style: chr2-198353176-CTTTCT-C.
Other names: c.1250_1254del, p.Lys417fs (NM_199440.2); short protein forms K417fs.
Identifiers: ClinVar variation 4529576 (VCV004529576.1).